The following is an entry in ClinVar:

ClinVar aggregate classification (germline): Uncertain significance (1 of 4 stars; one submission).

Conditions:
Carnitine palmitoyl transferase 1A deficiency. Also called: Carnitine palmitoyltransferase 1A deficiency; CPT I DEFICIENCY; CPT DEFICIENCY, HEPATIC, TYPE I; Carnitine palmitoyltransferase type I deficiency; CPT deficiency, hepatic, type IA. Identifiers: Orphanet 156, MedGen C1829703, MONDO:0009705, OMIM 255120.

Submission:

Labcorp Genetics (formerly Invitae), Labcorp
Classification: Uncertain significance for Carnitine palmitoyl transferase 1A deficiency. Last evaluated: 2022-04-09. Review status: criteria provided, single submitter. Criteria: Invitae Variant Classification Sherloc (09022015). Collection method: clinical testing. Allele origin: germline.
Comment: This sequence change replaces glutamine, which is neutral and polar, with histidine, which is basic and polar, at codon 495 of the CPT1A protein (p.Gln495His). This variant is not present in population databases (gnomAD no frequency). This variant has not been reported in the literature in individuals affected with CPT1A-related conditions. Algorithms developed to predict the effect of missense changes on protein structure and function (SIFT, PolyPhen-2, Align-GVGD) all suggest that this variant is likely to be tolerated. In summary, the available evidence is currently insufficient to determine the role of this variant in disease. Therefore, it has been classified as a Variant of Uncertain Significance.

NM_001876.4(CPT1A):c.1485G>T (p.Gln495His)

Gene: CPT1A (carnitine palmitoyltransferase 1A; minus strand). Cytogenetic location: 11q13.3.
Variant type: single nucleotide variant.
Coding change: c.1485G>T on transcript NM_001876.4 (MANE Select); coding-DNA position 1485, G replaced by T.
Protein change: p.Gln495His; replaces glutamine 495 with histidine.
Molecular consequence: missense variant.
Genome position (GRCh38, 1-based): chr11:68,775,406, C>A on the plus strand (G>T on the coding strand, the complement: CPT1A is on the minus strand). VCF-style: chr11-68775406-C-A. GRCh37 (hg19) VCF-style: chr11-68542874-C-A.
Other names: c.1485G>T, p.Gln495His (NM_001031847.3); short protein forms Q495H.
Identifiers: ClinVar variation 2123616 (VCV002123616.4), dbSNP rs2495560474, ClinGen allele CA381629986.